The following is an entry in ClinVar:

ClinVar aggregate classification (germline): Uncertain significance (1 of 4 stars; one submission).

Allele frequency attached by ClinVar (database versions not stated): gnomAD exomes below 0.00001.
gnomAD v4.1: 4 of 1,558,678 alleles (0.00026%); highest among the groups gnomAD compares: East Asian, 0.0023%; no homozygotes.

Submission:

Ambry Genetics
Classification: Uncertain significance. Last evaluated: 2022-09-30. Review status: criteria provided, single submitter. Criteria: Ambry Variant Classification Scheme 2023. Collection method: clinical testing. Allele origin: germline.
Comment: The p.A220V variant (also known as c.659C>T), located in coding exon 1 of the TERF2IP gene, results from a C to T substitution at nucleotide position 659. The alanine at codon 220 is replaced by valine, an amino acid with similar properties. This amino acid position is conserved. In addition, this alteration is predicted to be tolerated by in silico analysis. Since supporting evidence is limited at this time, the clinical significance of this alteration remains unclear.

NM_018975.4(TERF2IP):c.659C>T (p.Ala220Val)

Gene: TERF2IP (TERF2 interacting protein; plus strand). Cytogenetic location: 16q23.1.
Variant type: single nucleotide variant.
Coding change: c.659C>T on transcript NM_018975.4 (MANE Select); coding-DNA position 659, C replaced by T.
Protein change: p.Ala220Val; replaces alanine 220 with valine.
Molecular consequence: missense variant. On other transcripts: non-coding transcript variant (1).
Genome position (GRCh38, 1-based): chr16:75,648,541, C>T. VCF-style: chr16-75648541-C-T. GRCh37 (hg19) VCF-style: chr16-75682439-C-T.
Other names: short protein forms A220V.
Identifiers: ClinVar variation 1754393 (VCV001754393.2), dbSNP rs1345270447, ClinGen allele CA396818387.